The following is an entry in ClinVar:

NM_058216.3(RAD51C):c.745C>T (p.Arg249Cys)

Gene: RAD51C (RAD51 paralog C; plus strand). Cytogenetic location: 17q22.
Variant type: single nucleotide variant.
Coding change: c.745C>T on transcript NM_058216.3 (MANE Select); coding-DNA position 745, C replaced by T.
Protein change: p.Arg249Cys; replaces arginine 249 with cysteine.
Molecular consequence: missense variant. On other transcripts: non-coding transcript variant (1).
Genome position (GRCh38, 1-based): chr17:58,709,898, C>T. VCF-style: chr17-58709898-C-T. GRCh37 (hg19) VCF-style: chr17-56787259-C-T.
Other names: short protein forms R249C.
Identifiers: ClinVar variation 186529 (VCV000186529.30), dbSNP rs28363311, ClinGen allele CA195093.

ClinVar aggregate classification (germline): Uncertain significance. Review status: criteria provided, multiple submitters, no conflicts (2 of 4 stars). 10 submissions from 10 submitters: Uncertain significance (9). 1 of the submissions does not count toward it. Last evaluated 2026-07-16.

Conditions:
Breast-ovarian cancer, familial, susceptibility to, 3. Also called: RAD51C-Related Breast/Ovarian Cancer. Identifiers: Orphanet 145, MedGen C3150659, MONDO:0013253, OMIM 613399.
Fanconi anemia complementation group O. Also called: RAD51C-Related Fanconi Anemia. Identifiers: Orphanet 84, MedGen C3150653, MONDO:0013248, OMIM 613390.
Hereditary cancer-predisposing syndrome. Also called: Hereditary Cancer Syndrome; Hereditary neoplastic syndrome; Neoplastic Syndromes, Hereditary; Tumor predisposition. Identifiers: Orphanet 140162, MedGen C0027672, MeSH D009386, MONDO:0015356.

Allele frequency attached by ClinVar (database versions not stated): gnomAD exomes below 0.00001; ExAC 0.00001.

Submissions (10):

Department of Clinical Genetics, Copenhagen University Hospital, Rigshospitalet
Classification: Uncertain significance for Hereditary cancer-predisposing syndrome. Last evaluated: 2026-07-16. Review status: criteria provided, single submitter. Criteria: ACMG Guidelines, 2015. Collection method: clinical testing. Allele origin: germline.
Comment: The following ACMG criteria was used: PM2_SUP (FAF 0,0005020% in gnomAD v.4.1). Functional data show either no or some effect on RAD51C function (PMID:37253112; PMID:39299233).

Labcorp Genetics (formerly Invitae), Labcorp
Classification: Uncertain significance for Fanconi anemia complementation group O. Last evaluated: 2025-08-25. Review status: criteria provided, single submitter. Criteria: Invitae Variant Classification Sherloc (09022015). Collection method: clinical testing. Allele origin: germline.
Comment: This sequence change replaces arginine, which is basic and polar, with cysteine, which is neutral and slightly polar, at codon 249 of the RAD51C protein (p.Arg249Cys). This variant is present in population databases (rs28363311, gnomAD 0.0009%). This missense change has been observed in individual(s) with breast and/or ovarian cancer (PMID: 21990120, 26740214). This suggests that this variant may not be disease-causing. ClinVar contains an entry for this variant (Variation ID: 186529). Invitae Evidence Modeling of protein sequence and biophysical properties (such as structural, functional, and spatial information, amino acid conservation, physicochemical variation, residue mobility, and thermodynamic stability) indicates that this missense variant is expected to disrupt RAD51C protein function with a positive predictive value of 80%. Experimental studies are conflicting or provide insufficient evidence to determine the effect of this variant on RAD51C function (PMID: 36099300, 37253112). In summary, the available evidence is currently insufficient to determine the role of this variant in disease. Therefore, it has been classified as a Variant of Uncertain Significance.

Ambry Genetics
Classification: Uncertain significance for Hereditary cancer-predisposing syndrome. Last evaluated: 2025-06-23. Review status: criteria provided, single submitter. Criteria: Ambry Variant Classification Scheme 2023. Collection method: clinical testing. Allele origin: germline.
Comment: The p.R249C variant (also known as c.745C>T), located in coding exon 5 of the RAD51C gene, results from a C to T substitution at nucleotide position 745. The arginine at codon 249 is replaced by cysteine, an amino acid with highly dissimilar properties. In one study, this alteration was detected once in a series of breast cancer only families but was absent from 314 breast/ovarian families, 21 ovarian cancer only families, and 427 healthy controls (Thompson ER et al. Hum Mutat. 2012 Jan; 33(1):95-9). This individual also carried a pathogenic BRCA2 mutation (Jonson L et al. Breast Cancer Res Treat. 2016 Jan;155(2):215-22). In a homology-directed DNA repair (HDR) assay, this alteration showed a functionally normal read-out (Hu C et al. Cancer Res, 2023 Aug;83:2557-2571). This amino acid position is highly conserved in available vertebrate species. In addition, this alteration is predicted to be deleterious by in silico analysis. Based on the available evidence, the clinical significance of this variant remains unclear.

Center for Genomic Medicine, Rigshospitalet, Copenhagen University Hospital
Classification: Uncertain significance. Last evaluated: 2025-03-04. Review status: criteria provided, single submitter. Criteria: ACMG Guidelines, 2015. Collection method: clinical testing. Allele origin: germline.

Blueprint Genetics
Classification: Uncertain significance. Last evaluated: 2024-05-27. Review status: criteria provided, single submitter. Criteria: ACMG Guidelines, 2015. Collection method: clinical testing. Allele origin: germline.

Fulgent Genetics
Classification: Uncertain significance for Fanconi anemia complementation group O; Breast-ovarian cancer, familial, susceptibility to, 3. Last evaluated: 2024-05-17. Review status: criteria provided, single submitter. Criteria: ACMG Guidelines, 2015. Collection method: clinical testing. Allele origin: germline.

Color Diagnostics, LLC DBA Color Health
Classification: Uncertain significance for Hereditary cancer-predisposing syndrome. Last evaluated: 2023-12-06. Review status: criteria provided, single submitter. Criteria: ACMG Guidelines, 2015. Collection method: clinical testing. Allele origin: germline.
Comment: This missense variant replaces arginine with cysteine at codon 249 of the RAD51C protein. Computational prediction suggests that this variant may not impact protein structure and function. To our knowledge, functional studies have not been reported for this variant. This variant has been reported in 4 suspected hereditary breast and ovarian cancer families including one in which a pathogenic BRCA2 covariant is also present (PMID: 21537932, 21990120, 23117857, 26740214). This variant has been detected in a breast cancer case-control meta-analysis in 1/60466 cases and 0/53461 unaffected individuals (PMID: 33471991; Leiden Open Variation Database DB-ID RAD51C_000013). This variant also has been reported in several cancer case-control studies in which the variant was found in unaffected control individuals but absent in breast, colorectal, pancreatic and biliary tract cancer cases (PMID: 32658311, 32980694, 35039523, 36243179). This variant has been identified in 1/251440 chromosomes in the general population by the Genome Aggregation Database (gnomAD). The available evidence is insufficient to determine the role of this variant in disease conclusively. Therefore, this variant is classified as a Variant of Uncertain Significance.

Women's Health and Genetics/Laboratory Corporation of America, LabCorp
Classification: Uncertain significance. Last evaluated: 2023-10-13. Review status: criteria provided, single submitter. Criteria: LabCorp Variant Classification Summary - May 2015. Collection method: clinical testing. Allele origin: germline.
Comment: Variant summary: RAD51C c.745C>T (p.Arg249Cys) results in a non-conservative amino acid change located in the DNA recombination and repair protein Rad51-like, C-terminal domain (IPR013632) of the encoded protein sequence. Five of five in-silico tools predict a damaging effect of the variant on protein function. The variant allele was found at a frequency of 9.1e-06 in 328440 control chromosomes (gnomAD and publication data). The available data on variant occurrences in the general population are insufficient to allow any conclusion about variant significance. c.745C>T has been reported in the literature in individuals affected with Hereditary Breast And Ovarian Cancer Syndrome as well as in healthy controls (Thompson_2011, Jnson_2016, Akcay_2020, Lim_2022, Okawa_2022). These reports do not provide unequivocal conclusions about association of the variant with Hereditary Breast And Ovarian Cancer Syndrome. To our knowledge, no experimental evidence demonstrating an impact on protein function has been reported. The following publications have been ascertained in the context of this evaluation (PMID: 28829762, 26740214, 36243179, 21537932, 20052722, 21990120). Four submitters have cited clinical-significance assessments for this variant to ClinVar after 2014. All submitters classified the variant as uncertain significance. Based on the evidence outlined above, the variant was classified as uncertain significance.

Department of Pathology and Laboratory Medicine, Sinai Health System
Classification: Uncertain significance for Breast-ovarian cancer, familial, susceptibility to, 3. Last evaluated: 2020-01-14. Review status: criteria provided, single submitter. Criteria: ACMG Guidelines, 2015. Collection method: clinical testing. Allele origin: germline. Affected: yes.

Leiden Open Variation Database
Classification: Uncertain significance. Last evaluated: 2011-08-25. Review status: no assertion criteria provided. Collection method: curation. Allele origin: germline. Affected: yes. Not counted in ClinVar's aggregate classification.
Comment: Curator: Arleen D. Auerbach. Submitter to LOVD: Ian Campbell.

Literature cited by the submitters: PubMed 26740214 (cited by 6 submitters); PubMed 37253112 (cited by 3 submitters); PubMed 39299233 (cited by Department of Clinical Genetics, Copenhagen University Hospital, Rigshospitalet); PubMed 21990120 (cited by 7 submitters); PubMed 36099300 (cited by Labcorp Genetics (formerly Invitae), Labcorp); PubMed 20052722 (cited by Ambry Genetics and Women's Health and Genetics/Laboratory Corporation of America, LabCorp); PubMed 21537932 (cited by 3 submitters); PubMed 23117857 (cited by Ambry Genetics and Color Diagnostics, LLC DBA Color Health); PubMed 32658311 (cited by Color Diagnostics, LLC DBA Color Health and Women's Health and Genetics/Laboratory Corporation of America, LabCorp); PubMed 32980694 (cited by Color Diagnostics, LLC DBA Color Health); PubMed 33471991 (cited by Color Diagnostics, LLC DBA Color Health); PubMed 35039523 (cited by Color Diagnostics, LLC DBA Color Health and Women's Health and Genetics/Laboratory Corporation of America, LabCorp); PubMed 36243179 (cited by Color Diagnostics, LLC DBA Color Health and Women's Health and Genetics/Laboratory Corporation of America, LabCorp); PubMed 28829762 (cited by Women's Health and Genetics/Laboratory Corporation of America, LabCorp); PubMed 25086635 (cited by Department of Pathology and Laboratory Medicine, Sinai Health System).